The following is an entry in ClinVar:

NM_000719.7(CACNA1C):c.6326G>A (p.Gly2109Glu)

Genes: CACNA1C (calcium voltage-gated channel subunit alpha1 C; plus strand), CACNA1C-AS1 (CACNA1C antisense RNA 1; minus strand). Cytogenetic location: 12p13.33.
Variant type: single nucleotide variant.
Coding change: c.6326G>A on transcript NM_000719.7 (MANE Select); coding-DNA position 6326, G replaced by A.
Protein change: p.Gly2109Glu; replaces glycine 2109 with glutamic acid.
Molecular consequence: missense variant. On other transcripts: non-coding transcript variant (1).
Genome position (GRCh38, 1-based): chr12:2,691,108, G>A. VCF-style: chr12-2691108-G-A. GRCh37 (hg19) VCF-style: chr12-2800274-G-A.
Other names: c.6431G>A, p.Gly2144Glu (NM_001129830.3, NM_001167624.3); c.6410G>A, p.Gly2137Glu (NM_001129831.2); c.6386G>A, p.Gly2129Glu (NM_001129832.2); c.6383G>A, p.Gly2128Glu (NM_001129833.2, NM_001129834.2, NM_001129835.2); c.6575G>A, p.Gly2192Glu (NM_199460.4); c.6377G>A, p.Gly2126Glu (NM_001129836.2); c.6350G>A, p.Gly2117Glu (NM_001129837.2, NM_001129838.2); c.6344G>A, p.Gly2115Glu (NM_001129839.2); and 6 more; short protein forms G2109E, G2117E, G2126E, G2129E, G2192E, G2115E, G2106E, G2128E.
Identifiers: ClinVar variation 2867059 (VCV002867059.3), dbSNP rs2153892051, ClinGen allele CA383387311.

ClinVar aggregate classification (germline): Uncertain significance (1 of 4 stars; one submission).

Conditions:
Long QT syndrome (LQTS). Identifiers: MedGen C0023976, MeSH D008133, MONDO:0002442. Disease mechanism: loss of function. Inheritance: Various modes of inheritance.

Allele frequency attached by ClinVar (database versions not stated): gnomAD exomes below 0.00001.
gnomAD v4.1: 1 of 1,611,968 alleles (0.000062%); highest among the groups gnomAD compares: Non-Finnish European, 0.000085%; no homozygotes.

Submission:

Labcorp Genetics (formerly Invitae), Labcorp
Classification: Uncertain significance for Long QT syndrome. Last evaluated: 2024-04-22. Review status: criteria provided, single submitter. Criteria: Invitae Variant Classification Sherloc (09022015). Collection method: clinical testing. Allele origin: germline.
Comment: This sequence change replaces glycine, which is neutral and non-polar, with glutamic acid, which is acidic and polar, at codon 2109 of the CACNA1C protein (p.Gly2109Glu). This variant is not present in population databases (gnomAD no frequency). This variant has not been reported in the literature in individuals affected with CACNA1C-related conditions. Advanced modeling of protein sequence and biophysical properties (such as structural, functional, and spatial information, amino acid conservation, physicochemical variation, residue mobility, and thermodynamic stability) performed at Invitae indicates that this missense variant is not expected to disrupt CACNA1C protein function with a negative predictive value of 95%. In summary, the available evidence is currently insufficient to determine the role of this variant in disease. Therefore, it has been classified as a Variant of Uncertain Significance.